The following is an entry in ClinVar:

ClinVar aggregate classification (germline): Uncertain significance. Review status: criteria provided, multiple submitters, no conflicts (2 of 4 stars). 2 submissions from 2 submitters: Uncertain significance (2). Last evaluated 2026-07-06.

Conditions:
Hereditary cancer-predisposing syndrome. Also called: Neoplastic Syndromes, Hereditary; Hereditary Cancer Syndrome; Tumor predisposition; Hereditary neoplastic syndrome. Identifiers: Orphanet 140162, MedGen C0027672, MeSH D009386, MONDO:0015356.
Tuberous sclerosis 2 (TSC2). Identifiers: Orphanet 805, MedGen C1860707, MONDO:0013199, OMIM 613254.

Submissions (2):

Ambry Genetics
Classification: Uncertain significance for Hereditary cancer-predisposing syndrome. Last evaluated: 2026-07-06. Review status: criteria provided, single submitter. Criteria: Ambry Variant Classification Scheme 2023. Collection method: clinical testing. Allele origin: germline.
Comment: The p.Q955E variant (also known as c.2863C>G), located in coding exon 25 of the TSC2 gene, results from a C to G substitution at nucleotide position 2863. The glutamine at codon 955 is replaced by glutamic acid, an amino acid with highly similar properties. This amino acid position is conserved. In addition, the in silico prediction for this alteration is inconclusive. Based on the available evidence, the clinical significance of this variant remains unclear.

Labcorp Genetics (formerly Invitae), Labcorp
Classification: Uncertain significance for Tuberous sclerosis 2. Last evaluated: 2024-10-24. Review status: criteria provided, single submitter. Criteria: Invitae Variant Classification Sherloc (09022015). Collection method: clinical testing. Allele origin: germline.
Comment: This sequence change replaces glutamine, which is neutral and polar, with glutamic acid, which is acidic and polar, at codon 955 of the TSC2 protein (p.Gln955Glu). This variant is not present in population databases (gnomAD no frequency). This variant has not been reported in the literature in individuals affected with TSC2-related conditions. ClinVar contains an entry for this variant (Variation ID: 948731). Invitae Evidence Modeling of protein sequence and biophysical properties (such as structural, functional, and spatial information, amino acid conservation, physicochemical variation, residue mobility, and thermodynamic stability) indicates that this missense variant is not expected to disrupt TSC2 protein function with a negative predictive value of 95%. In summary, the available evidence is currently insufficient to determine the role of this variant in disease. Therefore, it has been classified as a Variant of Uncertain Significance.

NM_000548.5(TSC2):c.2863C>G (p.Gln955Glu)

Gene: TSC2 (TSC complex subunit 2; plus strand). Cytogenetic location: 16p13.3.
Variant type: single nucleotide variant.
Coding change: c.2863C>G on transcript NM_000548.5 (MANE Select); coding-DNA position 2863, C replaced by G.
Protein change: p.Gln955Glu; replaces glutamine 955 with glutamic acid.
Molecular consequence: missense variant. On other transcripts: intron variant (9).
Genome position (GRCh38, 1-based): chr16:2,077,623, C>G. VCF-style: chr16-2077623-C-G. GRCh37 (hg19) VCF-style: chr16-2127624-C-G.
Other names: c.2863C>G, p.Gln955Glu (NM_001114382.3); c.2837+1038C>G (NM_021055.3, NM_001370405.1, NM_001363528.2 and 2 more transcripts); c.2726+1038C>G (NM_001318827.2); c.2237+1038C>G (NM_001318831.2); c.2690+1038C>G (NM_001318829.2); c.2870+1038C>G (NM_001318832.2); short protein forms Q955E.
Identifiers: ClinVar variation 948731 (VCV000948731.10), dbSNP rs1596374761, ClinGen allele CA394280890.
Genomic context (GRCh38, chr16:2,077,623, plus strand): 5'-CTCTGGGGCGTTGGGGCTCCTTCCTCACCCGATAGTCTGAGGATAGCCAGACCCCCCAAA[C>G]AAGGCTTGAATAACTCTCCACCCGTGAAAGAATTCAAGGAGAGCTCTGCAGCCGAGGCCT-3'
Protein context (NP_000539.2, residues 945-965): KSLRIARPPK[Gln955Glu]GLNNSPPVKE